The following is an entry in ClinVar:

ClinVar aggregate classification (germline): Likely benign (1 of 4 stars; one submission).

Conditions:
Qualitative or quantitative defects of delta-sarcoglycan. Identifiers: Orphanet 207070, MedGen C5680806, MONDO:0016144.

Allele frequency attached by ClinVar (database versions not stated): 1000 Genomes Project 0.00419; 1000 Genomes Project 30x 0.00453; gnomAD 0.00907 and 0.00964; TOPMed 0.00952.

Submission:

Illumina Laboratory Services, Illumina
Classification: Likely benign for Qualitative or quantitative defects of delta-sarcoglycan. Last evaluated: 2018-01-13. Review status: criteria provided, single submitter. Criteria: ICSL Variant Classification Criteria 13 December 2019. Collection method: clinical testing. Allele origin: germline.
Comment: This variant was observed in the ICSL laboratory as part of a predisposition screen in an ostensibly healthy population. It had not been previously curated by ICSL or reported in the Human Gene Mutation Database (HGMD: prior to June 1st, 2018), and was therefore a candidate for classification through an automated scoring system. Utilizing variant allele frequency, disease prevalence and penetrance estimates, and inheritance mode, an automated score was calculated to assess if this variant is too frequent to cause the disease. Based on the score and internal cut-off values, a variant classified as likely benign is not then subjected to further curation. The score for this variant resulted in a classification of likely benign for this disease.

NM_000337.6(SGCD):c.*2236T>C

Gene: SGCD (sarcoglycan delta; plus strand). Cytogenetic location: 5q33.3.
Variant type: single nucleotide variant.
Coding change: c.*2236T>C on transcript NM_000337.6 (MANE Select); 2236 bases downstream of the stop codon, T replaced by C.
Molecular consequence: 3 prime UTR variant.
Genome position (GRCh38, 1-based): chr5:156,761,626, T>C. VCF-style: chr5-156761626-T-C. GRCh37 (hg19) VCF-style: chr5-156188637-T-C.
Other names: c.*2236T>C (NM_001128209.2).
Identifiers: ClinVar variation 352359 (VCV000352359.6), dbSNP rs183838407, ClinGen allele CA10621032.
Genomic context (GRCh38, chr5:156,761,626, plus strand): 5'-ATTCAGATAAACAATGATAGCTACAAAGTCATTTGTGGCTAGATAGGTTAAGACAGGTGA[T>C]TTTTTAAAGTAGACTGTCTTTGCATTTTGCCATCTGAAGTTCATTAATCTTTAGATGACA-3'